The following is an entry in ClinVar:

NM_021614.4(KCNN2):c.325G>C (p.Gly109Arg)

Gene: KCNN2 (potassium calcium-activated channel subfamily N member 2; plus strand). Cytogenetic location: 5q22.3.
Variant type: single nucleotide variant.
Coding change: c.325G>C on transcript NM_021614.4 (MANE Select); coding-DNA position 325, G replaced by C.
Protein change: p.Gly109Arg; replaces glycine 109 with arginine.
Molecular consequence: missense variant. On other transcripts: non-coding transcript variant (1).
Genome position (GRCh38, 1-based): chr5:114,362,464, G>C. VCF-style: chr5-114362464-G-C. GRCh37 (hg19) VCF-style: chr5-113698161-G-C.
Other names: c.523G>C, p.Gly175Arg (NM_001372233.1); short protein forms G109R, G175R.
Identifiers: ClinVar variation 4875507 (VCV004875507.2).

ClinVar aggregate classification (germline): Likely benign (1 of 4 stars; one submission).

gnomAD v4.1: 12 of 425,270 alleles (0.0028%); highest among the groups gnomAD compares: Non-Finnish European, 0.0041%; no homozygotes.

Submission:

CeGaT Center for Human Genetics Tuebingen
Classification: Likely benign. Last evaluated: 2026-05-01. Review status: criteria provided, single submitter. Criteria: CeGaT Center For Human Genetics Tuebingen Variant Classification Criteria Version 2. Collection method: clinical testing. Allele origin: germline. Affected: yes. Observed: 2 variant alleles.
Comment: KCNN2: BS2